The following is an entry in ClinVar:

NM_005732.4(RAD50):c.1112T>C (p.Ile371Thr)

Gene: RAD50 (RAD50 double strand break repair protein; plus strand). Cytogenetic location: 5q31.1.
Variant type: single nucleotide variant.
Coding change: c.1112T>C on transcript NM_005732.4 (MANE Select); coding-DNA position 1112, T replaced by C.
Protein change: p.Ile371Thr; replaces isoleucine 371 with threonine.
Molecular consequence: missense variant.
Genome position (GRCh38, 1-based): chr5:132,588,747, T>C. VCF-style: chr5-132588747-T-C. GRCh37 (hg19) VCF-style: chr5-131924439-T-C.
Other names: short protein forms I371T.
Identifiers: ClinVar variation 4742806 (VCV004742806.1).

ClinVar aggregate classification (germline): Uncertain significance (1 of 4 stars; one submission).

Conditions:
Hereditary cancer-predisposing syndrome. Also called: Hereditary neoplastic syndrome; Tumor predisposition; Neoplastic Syndromes, Hereditary; Hereditary Cancer Syndrome. Identifiers: Orphanet 140162, MedGen C0027672, MeSH D009386, MONDO:0015356.

Submission:

Labcorp Genetics (formerly Invitae), Labcorp
Classification: Uncertain significance for Hereditary cancer-predisposing syndrome. Last evaluated: 2025-07-09. Review status: criteria provided, single submitter. Criteria: Invitae Variant Classification Sherloc (09022015). Collection method: clinical testing. Allele origin: germline.
Comment: This sequence change replaces isoleucine, which is neutral and non-polar, with threonine, which is neutral and polar, at codon 371 of the RAD50 protein (p.Ile371Thr). This variant is not present in population databases (gnomAD no frequency). This variant has not been reported in the literature in individuals affected with RAD50-related conditions. Invitae Evidence Modeling of protein sequence and biophysical properties (such as structural, functional, and spatial information, amino acid conservation, physicochemical variation, residue mobility, and thermodynamic stability) indicates that this missense variant is not expected to disrupt RAD50 protein function with a negative predictive value of 80%. In summary, the available evidence is currently insufficient to determine the role of this variant in disease. Therefore, it has been classified as a Variant of Uncertain Significance.